The following is an entry in ClinVar:

ClinVar aggregate classification (germline): Likely benign. Review status: criteria provided, multiple submitters, no conflicts (2 of 4 stars). 2 submissions from 2 submitters: Likely benign (2). Last evaluated 2025-10-29.

Allele frequency attached by ClinVar (database versions not stated): gnomAD exomes 0.00002 and 0.00007; ExAC 0.00004; gnomAD 0.00004; TOPMed 0.00004; ESP Exome Variant Server 0.00009.
gnomAD v4.1: 74 of 1,199,157 alleles (0.0062%); highest among the groups gnomAD compares: Non-Finnish European, 0.008%; no homozygotes.

Submissions (2):

Labcorp Genetics (formerly Invitae), Labcorp
Classification: Likely benign. Last evaluated: 2025-10-29. Review status: criteria provided, single submitter. Criteria: Invitae Variant Classification Sherloc (09022015). Collection method: clinical testing. Allele origin: germline.

CeGaT Center for Human Genetics Tuebingen
Classification: Likely benign. Last evaluated: 2025-03-01. Review status: criteria provided, single submitter. Criteria: CeGaT Center For Human Genetics Tuebingen Variant Classification Criteria Version 2. Collection method: clinical testing. Allele origin: germline. Affected: yes. Observed: 1 variant allele.
Comment: BRWD3: BP4, BS2

NM_153252.5(BRWD3):c.858T>C (p.Thr286=)

Gene: BRWD3 (bromodomain and WD repeat domain containing 3; minus strand). Cytogenetic location: Xq21.1.
Variant type: single nucleotide variant.
Coding change: c.858T>C on transcript NM_153252.5 (MANE Select); coding-DNA position 858, T replaced by C.
Protein change: p.Thr286=; no amino-acid change (threonine 286 retained).
Molecular consequence: synonymous variant.
Genome position (GRCh38, 1-based): chrX:80,736,044, A>G on the plus strand (T>C on the coding strand, the complement: BRWD3 is on the minus strand). VCF-style: chrX-80736044-A-G. GRCh37 (hg19) VCF-style: chrX-79991543-A-G.
Identifiers: ClinVar variation 718385 (VCV000718385.13), dbSNP rs375027477, ClinGen allele CA10462293.